The following is an entry in ClinVar:

ClinVar aggregate classification (germline): Uncertain significance. Review status: criteria provided, multiple submitters, no conflicts (2 of 4 stars). 2 submissions from 2 submitters: Uncertain significance (2). Last evaluated 2025-01-22.

Conditions:
Inborn genetic diseases. Identifiers: MedGen C0950123, MeSH D030342.

gnomAD v4.1: 10 of 1,613,058 alleles (0.00062%); highest among the groups gnomAD compares: African/African-American, 0.0093%; no homozygotes.

Submissions (2):

Ambry Genetics
Classification: Uncertain significance for Inborn genetic diseases. Last evaluated: 2025-01-22. Review status: criteria provided, single submitter. Criteria: Ambry Variant Classification Scheme 2023. Collection method: clinical testing. Allele origin: germline.

Labcorp Genetics (formerly Invitae), Labcorp
Classification: Uncertain significance. Last evaluated: 2023-04-15. Review status: criteria provided, single submitter. Criteria: Invitae Variant Classification Sherloc (09022015). Collection method: clinical testing. Allele origin: germline.
Comment: This sequence change replaces alanine, which is neutral and non-polar, with serine, which is neutral and polar, at codon 2037 of the FREM1 protein (p.Ala2037Ser). This variant is present in population databases (rs201502030, gnomAD 0.02%). This variant has not been reported in the literature in individuals affected with FREM1-related conditions. Algorithms developed to predict the effect of missense changes on protein structure and function output the following: SIFT: "Not Available"; PolyPhen-2: "Benign"; Align-GVGD: "Not Available". The serine amino acid residue is found in multiple mammalian species, which suggests that this missense change does not adversely affect protein function. In summary, the available evidence is currently insufficient to determine the role of this variant in disease. Therefore, it has been classified as a Variant of Uncertain Significance.

NM_001379081.2(FREM1):c.6109G>T (p.Ala2037Ser)

Gene: FREM1 (FRAS1 related extracellular matrix 1; minus strand). Cytogenetic location: 9p22.3.
Variant type: single nucleotide variant.
Coding change: c.6109G>T on transcript NM_001379081.2 (MANE Select); coding-DNA position 6109, G replaced by T.
Protein change: p.Ala2037Ser; replaces alanine 2037 with serine.
Molecular consequence: missense variant. On other transcripts: non-coding transcript variant (3).
Genome position (GRCh38, 1-based): chr9:14,746,952, C>A on the plus strand (G>T on the coding strand, the complement: FREM1 is on the minus strand). VCF-style: chr9-14746952-C-A. GRCh37 (hg19) VCF-style: chr9-14746950-C-A.
Other names: c.1717G>T, p.Ala573Ser (NM_001177704.3, NM_001370061.2); c.1567G>T, p.Ala523Ser (NM_001370058.2); c.6109G>T, p.Ala2037Ser (NM_144966.7); c.6109G>T (NM_144966.5); short protein forms A2037S, A523S, A573S.
Identifiers: ClinVar variation 2905109 (VCV002905109.3), dbSNP rs201502030, ClinGen allele CA4989557.